The following is an entry in ClinVar:

ClinVar aggregate classification (germline): Likely benign. Review status: criteria provided, multiple submitters, no conflicts (2 of 4 stars). 5 submissions from 5 submitters: Likely benign (4). 1 of the submissions does not count toward it. Last evaluated 2026-01-28.

Conditions:
PCDH15-related disorder. Also called: PCDH15-related condition; PCDH15-related disorders.

Allele frequency attached by ClinVar (database versions not stated): ESP Exome Variant Server 0.00161; gnomAD 0.00169 and 0.00158; ExAC 0.00046; 1000 Genomes Project 0.00140; gnomAD exomes 0.00013 and 0.00031; 1000 Genomes Project 30x 0.00156; TOPMed 0.00163.
gnomAD v4.1: 442 of 1,613,942 alleles (0.027%); highest among the groups gnomAD compares: African/African-American, 0.55%; 3 homozygotes.

Submissions (5):

Labcorp Genetics (formerly Invitae), Labcorp
Classification: Likely benign. Last evaluated: 2026-01-28. Review status: criteria provided, single submitter. Criteria: Invitae Variant Classification Sherloc (09022015). Collection method: clinical testing. Allele origin: germline.

Blueprint Genetics
Classification: Likely benign. Last evaluated: 2024-05-29. Review status: criteria provided, single submitter. Criteria: ACMG Guidelines, 2015. Collection method: clinical testing. Allele origin: germline.

ARUP Laboratories, Molecular Genetics and Genomics, ARUP Laboratories
Classification: Likely benign. Last evaluated: 2017-08-14. Review status: criteria provided, single submitter. Criteria: ARUP Molecular Germline Variant Investigation Process. Collection method: clinical testing. Allele origin: germline.
Comment: The c.4733T>C; p.Val1578Ala variant (rs139915181) has not been reported in the medical literature, nor has it been previously identified by our laboratory. This variant is listed in the Genome Aggregation Database (gnomAD) with a frequency of 0.5 percent in the African population (identified on 122 out of 24,028 chromosomes), and reported to ClinVar as likely benign (Variation ID: 178520). The valine at position 1578 is weakly conserved considering 12 species (Alamut v2.9.0) and computational analyses of the p.Val1578Ala variant on protein structure and function indicate a neutral effect (SIFT: tolerated, MutationTaster: polymorphism, PolyPhen-2: benign). Altogether the p.Val1578Ala variant is likely to be benign.

Laboratory for Molecular Medicine, Mass General Brigham Personalized Medicine
Classification: Likely benign. Last evaluated: 2012-04-30. Review status: criteria provided, single submitter. Criteria: LMM Criteria. Collection method: clinical testing. Allele origin: germline. Observed: 2 variant alleles.
Comment: Val1578Ala in Exon 33 of PCDH15: This variant is not expected to have clinical s ignificance because it has been identified in 0.3% (13/3738) of African American chromosomes from a broad population by the NHLBI Exome Sequencing Project (dbSNP rs139915181).

PreventionGenetics, part of Exact Sciences
Classification: Likely benign for PCDH15-related condition. Last evaluated: 2024-08-19. Review status: no assertion criteria provided. Collection method: clinical testing. Allele origin: germline. Not counted in ClinVar's aggregate classification.
Comment: This variant is classified as likely benign based on ACMG/AMP sequence variant interpretation guidelines (Richards et al. 2015 PMID: 25741868, with internal and published modifications).

NM_033056.4(PCDH15):c.4733T>C (p.Val1578Ala)

Gene: PCDH15 (protocadherin related 15; minus strand). Cytogenetic location: 10q21.1.
Variant type: single nucleotide variant.
Coding change: c.4733T>C on transcript NM_033056.4 (MANE Plus Clinical); coding-DNA position 4733, T replaced by C.
Protein change: p.Val1578Ala; replaces valine 1578 with alanine.
Molecular consequence: missense variant. On other transcripts: intron variant (8).
Genome position (GRCh38, 1-based): chr10:53,822,993, A>G on the plus strand (T>C on the coding strand, the complement: PCDH15 is on the minus strand). VCF-style: chr10-53822993-A-G. GRCh37 (hg19) VCF-style: chr10-55582753-A-G.
Other names: c.4754T>C, p.Val1585Ala (NM_001142763.2); c.4739T>C, p.Val1580Ala (NM_001142764.2); c.4526T>C, p.Val1509Ala (NM_001142765.2); c.4724T>C, p.Val1575Ala (NM_001142766.2); c.4613T>C, p.Val1538Ala (NM_001142767.2); c.4673T>C, p.Val1558Ala (NM_001142768.2); c.4664T>C, p.Val1555Ala (NM_001142773.2); c.4667T>C, p.Val1556Ala (NM_001354404.2); and 6 more; short protein forms V1578A, V1575A, V1585A, V1555A, V1538A, V1556A, V1580A, V1509A.
Identifiers: ClinVar variation 178520 (VCV000178520.25), dbSNP rs139915181, ClinGen allele CA182482.